The following is an entry in ClinVar:

NM_017617.5(NOTCH1):c.5266C>T (p.Leu1756=)

Gene: NOTCH1 (notch receptor 1; minus strand). Cytogenetic location: 9q34.3.
Variant type: single nucleotide variant.
Coding change: c.5266C>T on transcript NM_017617.5 (MANE Select); coding-DNA position 5266, C replaced by T.
Protein change: p.Leu1756=; no amino-acid change (leucine 1756 retained).
Molecular consequence: synonymous variant.
Genome position (GRCh38, 1-based): chr9:136,502,390, G>A on the plus strand (C>T on the coding strand, the complement: NOTCH1 is on the minus strand). VCF-style: chr9-136502390-G-A. GRCh37 (hg19) VCF-style: chr9-139396842-G-A.
Identifiers: ClinVar variation 1581830 (VCV001581830.31), dbSNP rs746342953, ClinGen allele CA467832580.

ClinVar aggregate classification (germline): Likely benign. Review status: criteria provided, multiple submitters, no conflicts (2 of 4 stars). 2 submissions from 2 submitters: Likely benign (2). Last evaluated 2024-10-22.

Conditions:
Adams-Oliver syndrome 5 (AOS5). Identifiers: Orphanet 974, MedGen C4014970, MONDO:0014459, OMIM 616028.

Submissions (2):

Labcorp Genetics (formerly Invitae), Labcorp
Classification: Likely benign for Adams-Oliver syndrome 5. Last evaluated: 2024-10-22. Review status: criteria provided, single submitter. Criteria: Invitae Variant Classification Sherloc (09022015). Collection method: clinical testing. Allele origin: germline.

CeGaT Center for Human Genetics Tuebingen
Classification: Likely benign. Last evaluated: 2023-01-01. Review status: criteria provided, single submitter. Criteria: CeGaT Center For Human Genetics Tuebingen Variant Classification Criteria Version 2. Collection method: clinical testing. Allele origin: germline. Affected: yes. Observed: 1 variant allele.
Comment: NOTCH1: PM2:Supporting, BP4, BP7